The following is an entry in ClinVar:

NM_025243.4(SLC19A3):c.801A>G (p.Gln267=)

Gene: SLC19A3 (solute carrier family 19 member 3; minus strand). Cytogenetic location: 2q36.3.
Variant type: single nucleotide variant.
Coding change: c.801A>G on transcript NM_025243.4 (MANE Select); coding-DNA position 801, A replaced by G.
Protein change: p.Gln267=; no amino-acid change (glutamine 267 retained).
Molecular consequence: synonymous variant.
Genome position (GRCh38, 1-based): chr2:227,698,914, T>C on the plus strand (A>G on the coding strand, the complement: SLC19A3 is on the minus strand). VCF-style: chr2-227698914-T-C. GRCh37 (hg19) VCF-style: chr2-228563630-T-C.
Other names: p.Gln267=.
Identifiers: ClinVar variation 281501 (VCV000281501.51), dbSNP rs147205930, ClinGen allele CA2149230.
Genomic context (GRCh38, chr2:227,698,914, plus strand): 5'-GAAAGCCCACCATAGAGACCAGTAGAAAAGACGTTTTGAGGAGTAGCACTCCTTCAAATC[T>C]TGGAACCACTGCACAAAAACGTCCACAGTCACATTGCTTGGTTTCAGGCTGTTCAGCTGG-3'
Protein context (NP_079519.1, residues 257-277): VTVDVFVQWF[Gln267=]DLKECYSSKR

ClinVar aggregate classification (germline): Conflicting classifications of pathogenicity. Review status: criteria provided, conflicting classifications (1 of 4 stars). 9 submissions from 9 submitters: Uncertain significance (2); Benign (1); Likely benign (5). 1 of the submissions does not count toward it. Last evaluated 2026-01-28.

Conditions:
SLC19A3-related disorder. Also called: SLC19A3-related condition.
Biotin-responsive basal ganglia disease (BTBGD). Also called: Thiamine metabolism dysfunction syndrome 2 (biotin- or thiamine-responsive encephalopathy type 2); thiamine-responsive encephalopathy; Thiamine metabolism dysfunction syndrome type 2; Thiamine Transporter-2 Deficiency; THIAMINE METABOLISM DYSFUNCTION SYNDROME 2 (BIOTIN- AND THIAMINE-RESPONSIVE TYPE). Identifiers: Orphanet 199348, Orphanet 65284, MedGen C1843807, MONDO:0011841, OMIM 607483.

Allele frequency attached by ClinVar (database versions not stated): 1000 Genomes Project 0.00020; 1000 Genomes Project 30x 0.00031; TOPMed 0.00059; gnomAD 0.00067 and 0.00070; gnomAD exomes 0.00070 and 0.00081; ExAC 0.00072; ESP Exome Variant Server 0.00085.

Submissions (9):

Labcorp Genetics (formerly Invitae), Labcorp
Classification: Likely benign for Biotin-responsive basal ganglia disease. Last evaluated: 2026-01-28. Review status: criteria provided, single submitter. Criteria: Invitae Variant Classification Sherloc (09022015). Collection method: clinical testing. Allele origin: germline.

Mayo Clinic Laboratories, Mayo Clinic
Classification: Benign. Last evaluated: 2025-05-22. Review status: criteria provided, single submitter. Criteria: ACMG Guidelines, 2015. Collection method: clinical testing. Allele origin: germline. Observed: 4 variant alleles.
Comment: BA1, BP4, BP7

ARUP Laboratories, Molecular Genetics and Genomics, ARUP Laboratories
Classification: Likely benign for Biotin-responsive basal ganglia disease. Last evaluated: 2025-03-04. Review status: criteria provided, single submitter. Criteria: ARUP Molecular Germline Variant Investigation Process 2024. Collection method: clinical testing. Allele origin: germline.

Blueprint Genetics
Classification: Likely benign. Last evaluated: 2024-09-05. Review status: criteria provided, single submitter. Criteria: ACMG Guidelines, 2015. Collection method: clinical testing. Allele origin: germline.

CeGaT Center for Human Genetics Tuebingen
Classification: Likely benign. Last evaluated: 2023-01-01. Review status: criteria provided, single submitter. Criteria: CeGaT Center For Human Genetics Tuebingen Variant Classification Criteria Version 2. Collection method: clinical testing. Allele origin: germline. Affected: yes. Observed: 3 variant alleles.
Comment: SLC19A3: BP4, BP7

GeneDx
Classification: Likely benign. Last evaluated: 2021-04-07. Review status: criteria provided, single submitter. Criteria: GeneDx Variant Classification Process June 2021. Collection method: clinical testing. Allele origin: germline. Affected: yes.

Illumina Laboratory Services, Illumina
Classification: Uncertain significance for Biotin-responsive basal ganglia disease. Last evaluated: 2018-01-13. Review status: criteria provided, single submitter. Criteria: ICSL Variant Classification Criteria 13 December 2019. Collection method: clinical testing. Allele origin: germline.

Eurofins Ntd Llc (ga)
Classification: Uncertain significance. Last evaluated: 2017-11-15. Review status: criteria provided, single submitter. Criteria: EGL Classification Definitions 2015. Collection method: clinical testing. Allele origin: germline. Observed: 2 variant alleles, 2 heterozygotes.

PreventionGenetics, part of Exact Sciences
Classification: Likely benign for SLC19A3-related condition. Last evaluated: 2019-09-17. Review status: no assertion criteria provided. Collection method: clinical testing. Allele origin: germline. Not counted in ClinVar's aggregate classification.
Comment: This variant is classified as likely benign based on ACMG/AMP sequence variant interpretation guidelines (Richards et al. 2015 PMID: 25741868, with internal and published modifications).